The following is an entry in ClinVar:

ClinVar aggregate classification (germline): Benign (3 of 4 stars; one submission).

Conditions:
Breast-ovarian cancer, familial, susceptibility to, 1 (BROVCA1). Also called: BRCA1 Hereditary Breast and Ovarian Cancer; OVARIAN CANCER, SUSCEPTIBILITY TO. Identifiers: Orphanet 145, MedGen C2676676, MONDO:0011450, OMIM 604370. Disease mechanism: loss of function.

Submission:

Evidence-based Network for the Interpretation of Germline Mutant Alleles (ENIGMA)
Classification: Benign for Breast-ovarian cancer, familial, susceptibility to, 1. Last evaluated: 2016-09-28. Review status: reviewed by expert panel. Criteria: ENIGMA BRCA1/2 Classification Criteria (2015). Collection method: curation. Allele origin: germline.
Comment: Class 1 not pathogenic based on frequency >1% in an outbred sampleset. Frequency 0.0356 (African), derived from 1000 genomes (2013-05-02).

NM_007294.4(BRCA1):c.4186-603GAAA[5]

Gene: BRCA1 (BRCA1 DNA repair associated; minus strand). Cytogenetic location: 17q21.31.
Variant type: Microsatellite.
Coding change: c.4186-603GAAA[5] on transcript NM_007294.4 (MANE Select); five copies in a row of the 4-base unit GAAA starting at c.4186-603; the reference has four copies in a row; one copy, 4 bases duplicated.
Molecular consequence: intron variant.
Genome position (GRCh38, 1-based): chr17:43,083,163-43,083,166, TTTC duplicated on the plus strand (GAAA on the coding strand, the reverse complement: BRCA1 is on the minus strand); duplicating any 4 consecutive bases within chr17:43,083,163-43,083,181 gives the same sequence; the position shown is the placement nearest the transcript's 3' end. VCF-style (leftmost placement, unchanged base first): chr17-43083162-T-TTTTC. GRCh37 (hg19) VCF-style: chr17-41235179-T-TTTTC.
Other names: c.4186-591_4186-588dup (NM_007294.3); c.4063-603GAAA[5] (NM_001407668.1, NM_001407680.1, NM_001407664.1 and 13 more transcripts); c.4186-603GAAA[5] (NM_001407622.1, NM_001407602.1, NM_001407585.1 and 23 more transcripts); c.3919-603GAAA[5] (NM_001407936.1, NM_001407930.1, NM_001407931.1 and 1 more transcripts); c.4042-606GAAA[5] (NM_001407849.1, NM_001407847.1, NM_001407848.1); c.4042-603GAAA[5] (NM_001407845.1, NM_001407744.1, NM_001407843.1 and 17 more transcripts); c.613-603GAAA[5] (NM_001408496.1, NM_001408499.1, NM_001408498.1 and 3 more transcripts); c.3922-603GAAA[5] (NM_001407929.1, NM_001407924.1, NM_001407920.1 and 7 more transcripts); and 65 more.
Identifiers: ClinVar variation 264774 (VCV000264774.2), dbSNP rs527906133, ClinGen allele CA10588218.